The following is an entry in ClinVar:

ClinVar aggregate classification (germline): Uncertain significance (1 of 4 stars; one submission).

Allele frequency attached by ClinVar (database versions not stated): gnomAD exomes 0.00001; TOPMed 0.00001.
gnomAD v4.1: 15 of 1,614,168 alleles (0.00093%); highest among the groups gnomAD compares: East Asian, 0.0067%; no homozygotes.

Submission:

Labcorp Genetics (formerly Invitae), Labcorp
Classification: Uncertain significance. Last evaluated: 2023-12-27. Review status: criteria provided, single submitter. Criteria: Invitae Variant Classification Sherloc (09022015). Collection method: clinical testing. Allele origin: germline.
Comment: This sequence change replaces aspartic acid, which is acidic and polar, with asparagine, which is neutral and polar, at codon 1743 of the TRRAP protein (p.Asp1743Asn). This variant is not present in population databases (gnomAD no frequency). This variant has not been reported in the literature in individuals affected with TRRAP-related conditions. Advanced modeling of protein sequence and biophysical properties (such as structural, functional, and spatial information, amino acid conservation, physicochemical variation, residue mobility, and thermodynamic stability) performed at Invitae indicates that this missense variant is not expected to disrupt TRRAP protein function with a negative predictive value of 80%. In summary, the available evidence is currently insufficient to determine the role of this variant in disease. Therefore, it has been classified as a Variant of Uncertain Significance.

NM_001375524.1(TRRAP):c.5302G>A (p.Asp1768Asn)

Genes: TRRAP (transformation/transcription domain associated protein; plus strand), LOC126860121 (MED14-independent group 3 enhancer GRCh37_chr7:98547245-98548444; plus strand). Cytogenetic location: 7q22.1.
Variant type: single nucleotide variant.
Coding change: c.5302G>A on transcript NM_001375524.1 (MANE Select); coding-DNA position 5302, G replaced by A.
Protein change: p.Asp1768Asn; replaces aspartic acid 1768 with asparagine.
Molecular consequence: missense variant.
Genome position (GRCh38, 1-based): chr7:98,950,230, G>A. VCF-style: chr7-98950230-G-A. GRCh37 (hg19) VCF-style: chr7-98547853-G-A.
Other names: c.5281G>A, p.Asp1761Asn (NM_001244580.2); c.5227G>A, p.Asp1743Asn (NM_003496.4); short protein forms D1743N, D1761N, D1768N.
Identifiers: ClinVar variation 2705899 (VCV002705899.3), dbSNP rs1432890084, ClinGen allele CA368317758.
Genomic context (GRCh38, chr7:98,950,230, plus strand): 5'-CCCAAAAATTACAGCATCGCTCAGAAACGTGCCCTGTTCTTTCGCTTTGTAGACTTCAAC[G>A]ACCCCAACTTCGGAGATGAATTAAAAGCTAAAGTGAGTCCCACTCTTATGCTGTAGAAGG-3'
Protein context (NP_001362453.1, residues 1758-1778): ALFFRFVDFN[Asp1768Asn]PNFGDELKAK